The following is an entry in ClinVar:

NM_007294.4(BRCA1):c.3959C>T (p.Ser1320Phe)

Genes: BRCA1 (BRCA1 DNA repair associated; minus strand), LOC126862571 (BRD4-independent group 4 enhancer GRCh37_chr17:41243136-41244335; plus strand). Cytogenetic location: 17q21.31.
Variant type: single nucleotide variant.
Coding change: c.3959C>T on transcript NM_007294.4 (MANE Select); coding-DNA position 3959, C replaced by T.
Protein change: p.Ser1320Phe; replaces serine 1320 with phenylalanine.
Molecular consequence: missense variant. On other transcripts: intron variant (135).
Genome position (GRCh38, 1-based): chr17:43,091,572, G>A on the plus strand (C>T on the coding strand, the complement: BRCA1 is on the minus strand). VCF-style: chr17-43091572-G-A. GRCh37 (hg19) VCF-style: chr17-41243589-G-A.
Other names: c.3746C>T, p.Ser1249Phe (NM_001407571.1, NM_001407853.1, NM_001407894.1 and 9 more transcripts); c.3959C>T, p.Ser1320Phe (NM_001407581.1, NM_001407582.1, NM_001407583.1 and 30 more transcripts); c.3956C>T, p.Ser1319Phe (NM_001407587.1, NM_001407590.1, NM_001407591.1 and 22 more transcripts); c.3950C>T, p.Ser1317Phe (NM_001407646.1, NM_001407647.1); c.3836C>T, p.Ser1279Phe (NM_001407648.1, NM_001407664.1, NM_001407665.1 and 19 more transcripts); c.3833C>T, p.Ser1278Phe (NM_001407649.1, NM_001407670.1, NM_001407671.1 and 11 more transcripts); c.3881C>T, p.Ser1294Phe (NM_001407653.1, NM_001407654.1, NM_001407655.1 and 4 more transcripts); c.3878C>T, p.Ser1293Phe (NM_001407659.1, NM_001407660.1, NM_001407661.1 and 1 more transcripts); and 41 more; short protein forms S1273F, S1320F, S1193F, S1208F, S1249F, S1253F, S1278F, S1317F.
Identifiers: ClinVar variation 1008789 (VCV001008789.15), dbSNP rs2053494663, ClinGen allele CA10594044.

ClinVar aggregate classification (germline): Conflicting classifications of pathogenicity. Review status: criteria provided, conflicting classifications (1 of 4 stars). 3 submissions from 3 submitters: Uncertain significance (2); Likely benign (1). Last evaluated 2024-09-16.

Conditions:
Hereditary cancer-predisposing syndrome. Also called: Tumor predisposition; Hereditary neoplastic syndrome; Neoplastic Syndromes, Hereditary; Hereditary Cancer Syndrome. Identifiers: Orphanet 140162, MedGen C0027672, MeSH D009386, MONDO:0015356.
Hereditary breast ovarian cancer syndrome. Also called: BRCA1- and BRCA2-Associated Hereditary Breast and Ovarian Cancer; Hereditary breast and ovarian cancer; Hereditary breast and ovarian cancer syndrome; Breast and ovarian cancer; Hereditary breast and/or ovarian cancer syndrome; Hereditary breast and ovarian cancer syndrome (HBOC). Identifiers: Orphanet 145, MedGen C0677776, MeSH D061325, MONDO:0003582. Disease mechanism: loss of function.

Submissions (3):

Ambry Genetics
Classification: Uncertain significance for Hereditary cancer-predisposing syndrome. Last evaluated: 2024-09-16. Review status: criteria provided, single submitter. Criteria: Ambry Variant Classification Scheme 2023. Collection method: clinical testing. Allele origin: germline.
Comment: The p.S1320F variant (also known as c.3959C>T), located in coding exon 9 of the BRCA1 gene, results from a C to T substitution at nucleotide position 3959. The serine at codon 1320 is replaced by phenylalanine, an amino acid with highly dissimilar properties. This amino acid position is poorly conserved in available vertebrate species. In addition, the in silico prediction for this alteration is inconclusive. Based on the available evidence, the clinical significance of this variant remains unclear.

University of Washington Department of Laboratory Medicine, University of Washington
Classification: Likely benign for Hereditary cancer-predisposing syndrome. Last evaluated: 2023-03-23. Review status: criteria provided, single submitter. Criteria: Dines et al. (Genet Med. 2020). Collection method: curation. Allele origin: germline.
Comment: Missense variant in a coldspot region where missense variants are very unlikely to be pathogenic (PMID:31911673).

BRCA1 coldspot (exon 11 using historical exon numbering). Reclassification based on statistical prior probability

Labcorp Genetics (formerly Invitae), Labcorp
Classification: Uncertain significance for Hereditary breast ovarian cancer syndrome. Last evaluated: 2020-03-03. Review status: criteria provided, single submitter. Criteria: Invitae Variant Classification Sherloc (09022015). Collection method: clinical testing. Allele origin: germline.
Comment: This sequence change replaces serine with phenylalanine at codon 1320 of the BRCA1 protein (p.Ser1320Phe). The serine residue is weakly conserved and there is a large physicochemical difference between serine and phenylalanine. This variant is not present in population databases (ExAC no frequency). This variant has not been reported in the literature in individuals with BRCA1-related conditions. Algorithms developed to predict the effect of missense changes on protein structure and function (SIFT, PolyPhen-2, Align-GVGD) all suggest that this variant is likely to be tolerated, but these predictions have not been confirmed by published functional studies and their clinical significance is uncertain. In summary, the available evidence is currently insufficient to determine the role of this variant in disease. Therefore, it has been classified as a Variant of Uncertain Significance.